The following is an entry in ClinVar:

NM_000169.3(GLA):c.105dup (p.Leu36fs)

Genes: GLA (galactosidase alpha; minus strand), RPL36A-HNRNPH2 (RPL36A-HNRNPH2 readthrough; plus strand). Cytogenetic location: Xq22.1.
Variant type: Duplication.
Coding change: c.105dup on transcript NM_000169.3 (MANE Select); coding-DNA position 105, one base duplicated (A; older notation c.105dupA).
Protein change: p.Leu36fs; shifts the reading frame from leucine 36.
Molecular consequence: frameshift variant. On other transcripts: non-coding transcript variant (3), intron variant (2).
Genome position (GRCh38, 1-based): chrX:101,407,799, T duplicated on the plus strand (A on the coding strand, the reverse complement: GLA is on the minus strand). VCF-style (leftmost placement, unchanged base first): chrX-101407798-A-AT. GRCh37 (hg19) VCF-style: chrX-100662786-A-AT.
Other names: c.105dup, p.Leu36fs (NM_001406747.1, NM_001406748.1, NM_001406749.1); c.301-4137dup (NM_001199973.2); c.178-4137dup (NM_001199974.2); short protein forms L36fs.
Identifiers: ClinVar variation 4974824 (VCV004974824.1).
Genomic context (GRCh38, chrX:101,407,798, plus strand): 5'-AGTCAAGGTTGCACATGAAGCGCTCCCAGTGCAGCCAGCCCATGGTAGGCGTCCTTGCCA[A>AT]TCCATTGTCCAGTGCTCTAGCCCCAGGGATGTCCCAGGAAACGAGGGCCAGGAAGCGAAG-3'

ClinVar aggregate classification (germline): Pathogenic (1 of 4 stars; one submission).

Conditions:
Fabry disease. Also called: Fabry's disease; ALPHA-GALACTOSIDASE A DEFICIENCY; ANDERSON-FABRY DISEASE; CERAMIDE TRIHEXOSIDASE DEFICIENCY; GLA DEFICIENCY; HEREDITARY DYSTOPIC LIPIDOSIS. Identifiers: Orphanet 324, MedGen C0002986, MONDO:0010526, OMIM 301500, HP:0001071. Disease mechanism: Fabry disease is due to inactivating mutations in the X-linked GLA gene resulting in deficiency of the enzyme Alpha Galactosidase-A., loss of function.

Submission:

Genomenon, Inc
Classification: Pathogenic for Fabry disease. Last evaluated: 2026-09-08. Review status: criteria provided, single submitter. Criteria: Genomenon Sequence Variant Interpretation Standards - Updated. Collection method: curation. Allele origin: germline. Affected: yes.
Comment: GLA p.Leu36IlefsTer20 (c.105dup) is a frameshift variant that is predicted to introduce a premature termination codon and result in a truncated or absent protein product. This variant has been observed in at least one proband with clinical features consistent with Fabry disease (PMID:41204227). It is absent or not present at a significant frequency in gnomAD. In conclusion, we classify GLA p.Leu36IlefsTer20 (c.105dup) as a pathogenic variant.

Literature cited by the submitters: PubMed 41204227.